The following is an entry in ClinVar:

NM_000180.4(GUCY2D):c.1997G>A (p.Arg666Gln)

Gene: GUCY2D (guanylate cyclase 2D, retinal; plus strand). Cytogenetic location: 17p13.1.
Variant type: single nucleotide variant.
Coding change: c.1997G>A on transcript NM_000180.4 (MANE Select); coding-DNA position 1997, G replaced by A.
Protein change: p.Arg666Gln; replaces arginine 666 with glutamine.
Molecular consequence: missense variant.
Genome position (GRCh38, 1-based): chr17:8,012,490, G>A. VCF-style: chr17-8012490-G-A. GRCh37 (hg19) VCF-style: chr17-7915808-G-A.
Other names: c.1997G>A (NM_000180.3); short protein forms R666Q.
Identifiers: ClinVar variation 1061105 (VCV001061105.9), dbSNP rs147166962, ClinGen allele CA8365965.

ClinVar aggregate classification (germline): Uncertain significance. Review status: criteria provided, multiple submitters, no conflicts (2 of 4 stars). 4 submissions from 4 submitters: Uncertain significance (3). 1 of the submissions does not count toward it. Last evaluated 2026-03-16.

Conditions:
Retinal dystrophy. Also called: Inherited retinal dystrophy. Identifiers: Orphanet 71862, MedGen C0854723, MeSH D058499, MONDO:0019118, HP:0000556.
GUCY2D-related disorder. Also called: GUCY2D-related condition.
Leber congenital amaurosis 1 (LCA1). Also called: Congenital absence of the rods and cones; Leber's congenital tapetoretinal degeneration; Leber's congenital tapetoretinal dysplasia; AMAUROSIS CONGENITA OF LEBER I; RETINAL BLINDNESS, CONGENITAL. Identifiers: Orphanet 65, MedGen C2931258, MONDO:0008764, OMIM 204000.
Cone-rod dystrophy 6 (CORD6). Also called: Cone dystrophy progressive; RETINAL CONE DYSTROPHY 2. Identifiers: Orphanet 1872, MedGen C1866293, MONDO:0011143, OMIM 601777.

Allele frequency attached by ClinVar (database versions not stated): gnomAD 0.00003 and 0.00004; gnomAD exomes 0.00004 and 0.00014; TOPMed 0.00004; ExAC 0.00005; ESP Exome Variant Server 0.00008.
gnomAD v4.1: 199 of 1,613,954 alleles (0.012%); highest among the groups gnomAD compares: Non-Finnish European, 0.015%; no homozygotes.

Submissions (4):

PreventionGenetics, part of Exact Sciences
Classification: Uncertain significance for GUCY2D-related condition. Last evaluated: 2026-03-16. Review status: criteria provided, single submitter. Criteria: ACMG Guidelines, 2015. Collection method: clinical testing. Allele origin: germline.
Comment: The GUCY2D c.1997G>A variant is predicted to result in the amino acid substitution p.Arg666Gln. To our knowledge, this variant has not been reported in the literature. This variant is reported in 0.019% of alleles in individuals of European (Finnish) descent in gnomAD. An alternate nucleotide change affecting the same amino acid (p.Arg666Trp) has been reported in individuals in the compound heterozygous or homozygous state affected with congenital night blindness or other non-syndromic eye disease (Stunkel et al. 2018. PubMed ID: 29559409; Patel et al. 2019. PubMed ID: 30653986; Peshenko et al. 2020. PubMed ID: 33109612). Functional studies of this related variant suggest that it impacts protein function to varying degrees based on the pathogenicity of the second variant (Peshenko et al. 2020. PubMed ID: 33109612). At this time, the clinical significance of the c.1997G>A variant is uncertain due to the absence of conclusive functional and genetic evidence.

Labcorp Genetics (formerly Invitae), Labcorp
Classification: Uncertain significance for Leber congenital amaurosis 1; Cone-rod dystrophy 6. Last evaluated: 2025-04-10. Review status: criteria provided, single submitter. Criteria: Invitae Variant Classification Sherloc (09022015). Collection method: clinical testing. Allele origin: germline.
Comment: This sequence change replaces arginine, which is basic and polar, with glutamine, which is neutral and polar, at codon 666 of the GUCY2D protein (p.Arg666Gln). This variant is present in population databases (rs147166962, gnomAD 0.02%). This variant has not been reported in the literature in individuals affected with GUCY2D-related conditions. ClinVar contains an entry for this variant (Variation ID: 1061105). Invitae Evidence Modeling of protein sequence and biophysical properties (such as structural, functional, and spatial information, amino acid conservation, physicochemical variation, residue mobility, and thermodynamic stability) indicates that this missense variant is not expected to disrupt GUCY2D protein function with a negative predictive value of 80%. In summary, the available evidence is currently insufficient to determine the role of this variant in disease. Therefore, it has been classified as a Variant of Uncertain Significance.

Blueprint Genetics
Classification: Uncertain significance. Last evaluated: 2024-09-09. Review status: criteria provided, single submitter. Criteria: ACMG Guidelines, 2015. Collection method: clinical testing. Allele origin: germline.

Institute of Human Genetics, Univ. Regensburg, Univ. Regensburg
Classification: Uncertain significance for Retinal dystrophy. Last evaluated: 2021-01-01. Review status: no assertion criteria provided. Criteria: ACMG Guidelines, 2015. Collection method: clinical testing. Allele origin: germline. Affected: yes. Not counted in ClinVar's aggregate classification.